The following is an entry in ClinVar:

ClinVar aggregate classification (germline): Uncertain significance. Review status: criteria provided, multiple submitters, no conflicts (2 of 4 stars). 2 submissions from 2 submitters: Uncertain significance (2). Last evaluated 2025-03-09.

Conditions:
Inborn genetic diseases. Identifiers: MedGen C0950123, MeSH D030342.

gnomAD v4.1: 1 of 1,613,904 alleles (0.000062%); highest among the groups gnomAD compares: Admixed American, 0.0017%; no homozygotes.

Submissions (2):

Labcorp Genetics (formerly Invitae), Labcorp
Classification: Uncertain significance. Last evaluated: 2025-03-09. Review status: criteria provided, single submitter. Criteria: Invitae Variant Classification Sherloc (09022015). Collection method: clinical testing. Allele origin: germline.
Comment: This sequence change replaces arginine, which is basic and polar, with glycine, which is neutral and non-polar, at codon 405 of the NBAS protein (p.Arg405Gly). This variant is not present in population databases (gnomAD no frequency). This variant has not been reported in the literature in individuals affected with NBAS-related conditions. ClinVar contains an entry for this variant (Variation ID: 3298550). Invitae Evidence Modeling of protein sequence and biophysical properties (such as structural, functional, and spatial information, amino acid conservation, physicochemical variation, residue mobility, and thermodynamic stability) has been performed for this missense variant. However, the output from this modeling did not meet the statistical confidence thresholds required to predict the impact of this variant on NBAS protein function. In summary, the available evidence is currently insufficient to determine the role of this variant in disease. Therefore, it has been classified as a Variant of Uncertain Significance.

Ambry Genetics
Classification: Uncertain significance for Inborn genetic diseases. Last evaluated: 2024-03-31. Review status: criteria provided, single submitter. Criteria: Ambry Variant Classification Scheme 2023. Collection method: clinical testing. Allele origin: germline.

NM_015909.4(NBAS):c.1213C>G (p.Arg405Gly)

Gene: NBAS (NBAS subunit of NRZ tethering complex; minus strand). Cytogenetic location: 2p24.3.
Variant type: single nucleotide variant.
Coding change: c.1213C>G on transcript NM_015909.4 (MANE Select); coding-DNA position 1213, C replaced by G.
Protein change: p.Arg405Gly; replaces arginine 405 with glycine.
Molecular consequence: missense variant. On other transcripts: non-coding transcript variant (1).
Genome position (GRCh38, 1-based): chr2:15,475,815, G>C on the plus strand (C>G on the coding strand, the complement: NBAS is on the minus strand). VCF-style: chr2-15475815-G-C. GRCh37 (hg19) VCF-style: chr2-15615939-G-C.
Other names: short protein forms R405G.
Identifiers: ClinVar variation 3298550 (VCV003298550.2).